The following is an entry in ClinVar:

NM_003924.4(PHOX2B):c.692del (p.Gly231fs)

Gene: PHOX2B (paired like homeobox 2B; minus strand). Cytogenetic location: 4p13.
Variant type: Deletion.
Coding change: c.692del on transcript NM_003924.4 (MANE Select); coding-DNA position 692, one base deleted (G; older notation c.692delG).
Protein change: p.Gly231fs; shifts the reading frame from glycine 231.
Molecular consequence: frameshift variant.
Genome position (GRCh38, 1-based): chr4:41,746,060, C deleted on the plus strand (G on the coding strand, the reverse complement: PHOX2B is on the minus strand); the first of 5 consecutive C bases (chr4:41,746,060-41,746,064); deleting any one gives the same sequence. VCF-style (leftmost placement, unchanged base first): chr4-41746059-GC-G. GRCh37 (hg19) VCF-style: chr4-41748076-GC-G.
Other names: short protein forms G231fs.
Identifiers: ClinVar variation 1457266 (VCV001457266.8), dbSNP rs1310852326, ClinGen allele CA551141139.
Genomic context (GRCh38, chr4:41,746,059, plus strand): 5'-CGCCGCTGCCGCGGCCGCCGCCGCTGCTGCTGCGCCGCCCTTGCCGGGTTCGCCTCCCGG[GC>G]CCCCGGGCCCCGCCGCCCCCGGAGCTCCAGCCGGGCTGGGCCCGCCGCCGCCGCCTCCAT-3'

ClinVar aggregate classification (germline): Pathogenic (1 of 4 stars; one submission).

Conditions:
Haddad syndrome (OHD). Also called: Ondine-Hirschsprung disease. Identifiers: Orphanet 99803, MedGen C1859049, MONDO:0020493.

Submission:

Labcorp Genetics (formerly Invitae), Labcorp
Classification: Pathogenic for Haddad syndrome. Last evaluated: 2021-06-26. Review status: criteria provided, single submitter. Criteria: Invitae Variant Classification Sherloc (09022015). Collection method: clinical testing. Allele origin: germline.
Comment: For these reasons, this variant has been classified as Pathogenic. This variant disrupts the C-terminus of the PHOX2B protein. Other variant(s) that disrupt this region (p.Gly234Alafs*78) have been determined to be pathogenic (PMID: 15657873, 17637745, 29696799, 30092902, 26375764). This suggests that variants that disrupt this region of the protein are likely to be causative of disease. Experimental studies have shown that this variant affects PHOX2B protein function (PMID: 19058226). This variant has been observed in individual(s) with congenital central hypoventilation syndrome (PMID: 15657873). The frequency data for this variant in the population databases is considered unreliable, as metrics indicate insufficient coverage at this position in the ExAC database. This sequence change creates a premature translational stop signal (p.Gly231Alafs*78) in the PHOX2B gene. While this is not anticipated to result in nonsense mediated decay, it is expected to disrupt the last 84 amino acid(s) of the PHOX2B protein.

Literature cited by the submitters: PubMed 15657873; PubMed 17637745; PubMed 29696799; PubMed 30092902; PubMed 26375764; PubMed 19058226.